The following is an entry in ClinVar:

ClinVar aggregate classification (germline): Conflicting classifications of pathogenicity. Review status: criteria provided, conflicting classifications (1 of 4 stars). 6 submissions from 6 submitters: Uncertain significance (5); Likely benign (1). Last evaluated 2026-02-01.

Allele frequency attached by ClinVar (database versions not stated): gnomAD exomes 0.00025 and 0.00045; ExAC 0.00026; gnomAD 0.00033 and 0.00036; TOPMed 0.00035; ESP Exome Variant Server 0.00054.
gnomAD v4.1: 688 of 1,612,808 alleles (0.043%); highest among the groups gnomAD compares: Non-Finnish European, 0.055%; no homozygotes.

Submissions (6):

Labcorp Genetics (formerly Invitae), Labcorp
Classification: Likely benign. Last evaluated: 2026-02-01. Review status: criteria provided, single submitter. Criteria: Invitae Variant Classification Sherloc (09022015). Collection method: clinical testing. Allele origin: germline.

GeneDx
Classification: Uncertain significance. Last evaluated: 2025-10-13. Review status: criteria provided, single submitter. Criteria: GeneDx Variant Classification Process June 2021. Collection method: clinical testing. Allele origin: germline. Affected: yes.
Comment: In silico analysis supports that this missense variant has a deleterious effect on protein structure/function; Has not been previously published as pathogenic or benign to our knowledge

Blueprint Genetics
Classification: Uncertain significance. Last evaluated: 2024-10-31. Review status: criteria provided, single submitter. Criteria: ACMG Guidelines, 2015. Collection method: clinical testing. Allele origin: germline.

Revvity Omics, Revvity
Classification: Uncertain significance. Last evaluated: 2023-11-16. Review status: criteria provided, single submitter. Criteria: ACMG Guidelines, 2015. Collection method: clinical testing. Allele origin: germline.

Athena Diagnostics
Classification: Uncertain significance. Last evaluated: 2019-02-14. Review status: criteria provided, single submitter. Criteria: Athena Diagnostics Criteria. Collection method: clinical testing. Allele origin: germline.

Laboratory for Molecular Medicine, Mass General Brigham Personalized Medicine
Classification: Uncertain significance. Last evaluated: 2018-10-10. Review status: criteria provided, single submitter. Criteria: LMM Criteria. Collection method: clinical testing. Allele origin: germline. Observed: 1 variant allele.
Comment: The p.Ala1305Thr variant in CACNA1D has not been previously reported in individu als with hearing loss or bradycardia, but has been identified in 0.04% (57/12670 2) of European chromosomes by the Genome Aggregation Database (gnomAD). Computational prediction tools and conservation analys is do not provide strong support for or against an impact to the protein. In sum mary, the clinical significance of the p.Ala1305Thr variant is uncertain. ACMG/A MP Criteria applied: none.

NM_001128840.3(CACNA1D):c.3853G>A (p.Ala1285Thr)

Gene: CACNA1D (calcium voltage-gated channel subunit alpha1 D; plus strand). Cytogenetic location: 3p21.1.
Variant type: single nucleotide variant.
Coding change: c.3853G>A on transcript NM_001128840.3 (MANE Select); coding-DNA position 3853, G replaced by A.
Protein change: p.Ala1285Thr; replaces alanine 1285 with threonine.
Molecular consequence: missense variant.
Genome position (GRCh38, 1-based): chr3:53,762,064, G>A. VCF-style: chr3-53762064-G-A. GRCh37 (hg19) VCF-style: chr3-53796091-G-A.
Other names: c.3913G>A, p.Ala1305Thr (NM_000720.4); c.3853G>A, p.Ala1285Thr (NM_001128839.3); short protein forms A1285T, A1305T.
Identifiers: ClinVar variation 667199 (VCV000667199.17), dbSNP rs144474773, ClinGen allele CA2454699.